The following is an entry in ClinVar:

NM_005475.3(SH2B3):c.179C>T (p.Ala60Val)

Gene: SH2B3 (SH2B adaptor protein 3; plus strand). Cytogenetic location: 12q24.12.
Variant type: single nucleotide variant.
Coding change: c.179C>T on transcript NM_005475.3 (MANE Select); coding-DNA position 179, C replaced by T.
Protein change: p.Ala60Val; replaces alanine 60 with valine.
Molecular consequence: missense variant.
Genome position (GRCh38, 1-based): chr12:111,418,324, C>T. VCF-style: chr12-111418324-C-T. GRCh37 (hg19) VCF-style: chr12-111856128-C-T.
Other names: short protein forms A60V.
Identifiers: ClinVar variation 3795159 (VCV003795159.1).
Genomic context (GRCh38, chr12:111,418,324, plus strand): 5'-AGCTGGCCCGCCAGTACTGGCTGTTCGCCCGGGAGCATCCGCAGCACGCGCCGCTGCGCG[C>T]CGAGCTGGTGTCGCTGCAGTTCACCGACCTCTTCCAGCGCTACTTCTGCCGCGAGGTGCG-3'
Protein context (NP_005466.1, residues 50-70): REHPQHAPLR[Ala60Val]ELVSLQFTDL

ClinVar aggregate classification (germline): Uncertain significance (1 of 4 stars; one submission).

Conditions:
Inborn genetic diseases. Identifiers: MedGen C0950123, MeSH D030342.

Submission:

Ambry Genetics
Classification: Uncertain significance for Inborn genetic diseases. Last evaluated: 2025-02-02. Review status: criteria provided, single submitter. Criteria: Ambry Variant Classification Scheme 2023. Collection method: clinical testing. Allele origin: germline.
Comment: The p.A60V variant (also known as c.179C>T), located in coding exon 1 of the SH2B3 gene, results from a C to T substitution at nucleotide position 179. The alanine at codon 60 is replaced by valine, an amino acid with similar properties. This amino acid position is conserved. In addition, this alteration is predicted to be tolerated by in silico analysis. Based on the available evidence, the clinical significance of this variant remains unclear.